The following is an entry in ClinVar:

ClinVar aggregate classification (germline): Uncertain significance (1 of 4 stars; one submission).

Conditions:
Cardiovascular phenotype. Identifiers: MedGen CN230736.
Hereditary cancer-predisposing syndrome. Also called: Hereditary Cancer Syndrome; Neoplastic Syndromes, Hereditary; Tumor predisposition; Hereditary neoplastic syndrome. Identifiers: Orphanet 140162, MedGen C0027672, MeSH D009386, MONDO:0015356.

Allele frequency attached by ClinVar (database versions not stated): gnomAD exomes below 0.00001.

Submission:

Ambry Genetics
Classification: Uncertain significance for Cardiovascular phenotype; Hereditary cancer-predisposing syndrome. Last evaluated: 2021-07-30. Review status: criteria provided, single submitter. Criteria: Ambry Variant Classification Scheme 2023. Collection method: clinical testing. Allele origin: germline.
Comment: The p.Q1702R variant (also known as c.5105A>G), located in coding exon 36 of the NF1 gene, results from an A to G substitution at nucleotide position 5105. The glutamine at codon 1702 is replaced by arginine, an amino acid with highly similar properties. This amino acid position is highly conserved in available vertebrate species. In addition, the in silico prediction for this alteration is inconclusive. Since supporting evidence is limited at this time, the clinical significance of this alteration remains unclear.

NM_001042492.3(NF1):c.5168A>G (p.Gln1723Arg)

Gene: NF1 (neurofibromin 1; plus strand). Cytogenetic location: 17q11.2.
Variant type: single nucleotide variant.
Coding change: c.5168A>G on transcript NM_001042492.3 (MANE Select); coding-DNA position 5168, A replaced by G.
Protein change: p.Gln1723Arg; replaces glutamine 1723 with arginine.
Molecular consequence: missense variant.
Genome position (GRCh38, 1-based): chr17:31,326,152, A>G. VCF-style: chr17-31326152-A-G. GRCh37 (hg19) VCF-style: chr17-29653170-A-G.
Other names: c.5105A>G, p.Gln1702Arg (NM_000267.4); short protein forms Q1723R, Q1702R.
Identifiers: ClinVar variation 1745370 (VCV001745370.2), dbSNP rs2151538770, ClinGen allele CA399007894.
Genomic context (GRCh38, chr17:31,326,152, plus strand): 5'-GCAAAAGGCTTGTTTTCATAGACTGTCCTGGGAAACTGGCTGAGCACATAGAGCATGAAC[A>G]ACAGAAACTACCTGCTGCCACCTTGGCTTTAGAAGAGGACCTGAAGGTATTCCACAATGC-3'
Protein context (NP_001035957.1, residues 1713-1733): GKLAEHIEHE[Gln1723Arg]QKLPAATLAL